The following is an entry in ClinVar:

NM_172364.5(CACNA2D4):c.95G>A (p.Ser32Asn)

Gene: CACNA2D4 (calcium voltage-gated channel auxiliary subunit alpha2delta 4; minus strand). Cytogenetic location: 12p13.33.
Variant type: single nucleotide variant.
Coding change: c.95G>A on transcript NM_172364.5 (MANE Select); coding-DNA position 95, G replaced by A.
Protein change: p.Ser32Asn; replaces serine 32 with asparagine.
Molecular consequence: missense variant.
Genome position (GRCh38, 1-based): chr12:1,918,379, C>T on the plus strand (G>A on the coding strand, the complement: CACNA2D4 is on the minus strand). VCF-style: chr12-1918379-C-T. GRCh37 (hg19) VCF-style: chr12-2027545-C-T.
Other names: short protein forms S32N.
Identifiers: ClinVar variation 1513647 (VCV001513647.8), dbSNP rs1287644513, ClinGen allele CA383366265.

ClinVar aggregate classification (germline): Uncertain significance (1 of 4 stars; one submission).

Allele frequency attached by ClinVar (database versions not stated): gnomAD exomes below 0.00001 and 0.00001; TOPMed below 0.00001.
gnomAD v4.1: 5 of 1,603,120 alleles (0.00031%); highest among the groups gnomAD compares: Non-Finnish European, 0.00043%; no homozygotes.

Submission:

Labcorp Genetics (formerly Invitae), Labcorp
Classification: Uncertain significance. Last evaluated: 2021-04-21. Review status: criteria provided, single submitter. Criteria: Invitae Variant Classification Sherloc (09022015). Collection method: clinical testing. Allele origin: germline.
Comment: This sequence change replaces serine with asparagine at codon 32 of the CACNA2D4 protein (p.Ser32Asn). The serine residue is weakly conserved and there is a small physicochemical difference between serine and asparagine. This variant is not present in population databases (ExAC no frequency). This variant has not been reported in the literature in individuals with CACNA2D4-related conditions. Algorithms developed to predict the effect of missense changes on protein structure and function (SIFT, PolyPhen-2, Align-GVGD) all suggest that this variant is likely to be tolerated, but these predictions have not been confirmed by published functional studies and their clinical significance is uncertain. In summary, the available evidence is currently insufficient to determine the role of this variant in disease. Therefore, it has been classified as a Variant of Uncertain Significance.